The following is an entry in ClinVar:

NM_002887.4(RARS1):c.793C>T (p.Pro265Ser)

Gene: RARS1 (arginyl-tRNA synthetase 1; plus strand). Cytogenetic location: 5q34.
Variant type: single nucleotide variant.
Coding change: c.793C>T on transcript NM_002887.4 (MANE Select); coding-DNA position 793, C replaced by T.
Protein change: p.Pro265Ser; replaces proline 265 with serine.
Molecular consequence: missense variant.
Genome position (GRCh38, 1-based): chr5:168,497,319, C>T. VCF-style: chr5-168497319-C-T. GRCh37 (hg19) VCF-style: chr5-167924324-C-T.
Other names: c.793C>T (NM_002887.3); short protein forms P265S.
Identifiers: ClinVar variation 1030601 (VCV001030601.3), dbSNP rs144891956, ClinGen allele CA3549720.

ClinVar aggregate classification (germline): Conflicting classifications of pathogenicity. Review status: criteria provided, conflicting classifications (1 of 4 stars). 3 submissions from 3 submitters: Uncertain significance (1); Likely benign (2). Last evaluated 2025-07-29.

Conditions:
Inborn genetic diseases. Identifiers: MedGen C0950123, MeSH D030342.
Leukodystrophy, hypomyelinating, 9. Identifiers: Orphanet 438114, MedGen C4015323, MONDO:0014506, OMIM 616140.

Allele frequency attached by ClinVar (database versions not stated): gnomAD 0.00011 and 0.00019; TOPMed 0.00017; gnomAD exomes 0.00029; ExAC 0.00030; 1000 Genomes Project 0.00060; 1000 Genomes Project 30x 0.00062.
gnomAD v4.1: 171 of 1,586,798 alleles (0.011%); highest among the groups gnomAD compares: East Asian, 0.32%; 1 homozygote.

Submissions (3):

Labcorp Genetics (formerly Invitae), Labcorp
Classification: Likely benign. Last evaluated: 2025-07-29. Review status: criteria provided, single submitter. Criteria: Invitae Variant Classification Sherloc (09022015). Collection method: clinical testing. Allele origin: germline.

Ambry Genetics
Classification: Likely benign for Inborn genetic diseases. Last evaluated: 2024-04-12. Review status: criteria provided, single submitter. Criteria: Ambry Variant Classification Scheme 2023. Collection method: clinical testing. Allele origin: germline.

Baylor Genetics
Classification: Uncertain significance for Leukodystrophy, hypomyelinating, 9. Last evaluated: 2020-11-13. Review status: criteria provided, single submitter. Criteria: ACMG Guidelines, 2015. Collection method: clinical testing. Allele origin: unknown. Affected: yes.
Comment: This variant was determined to be of uncertain significance according to ACMG Guidelines, 2015 [PMID:25741868].